The following is an entry in ClinVar:

NM_002168.4(IDH2):c.68C>G (p.Pro23Arg)

Genes: IDH2 (isocitrate dehydrogenase (NADP(+)) 2; minus strand), IDH2-DT (IDH2 divergent transcript; plus strand). Cytogenetic location: 15q26.1.
Variant type: single nucleotide variant.
Coding change: c.68C>G on transcript NM_002168.4 (MANE Select); coding-DNA position 68, C replaced by G.
Protein change: p.Pro23Arg; replaces proline 23 with arginine.
Molecular consequence: missense variant. On other transcripts: non-coding transcript variant (1), 5 prime UTR variant (1).
Genome position (GRCh38, 1-based): chr15:90,102,323, G>C on the plus strand (C>G on the coding strand, the complement: IDH2 is on the minus strand). VCF-style: chr15-90102323-G-C. GRCh37 (hg19) VCF-style: chr15-90645555-G-C.
Other names: c.-65C>G (NM_001290114.2); short protein forms P23R.
Identifiers: ClinVar variation 1519186 (VCV001519186.8), dbSNP rs746881165, ClinGen allele CA7733289.

ClinVar aggregate classification (germline): Uncertain significance (1 of 4 stars; one submission).

Conditions:
D-2-hydroxyglutaric aciduria 2 (D2HGA2). Identifiers: Orphanet 79315, MedGen C3150909, MONDO:0013345, OMIM 613657.

Allele frequency attached by ClinVar (database versions not stated): gnomAD exomes 0.00001 and 0.00005; TOPMed 0.00001; gnomAD 0.00002 and 0.00004; ExAC 0.00015; 1000 Genomes Project 30x 0.00047.
gnomAD v4.1: 64 of 1,361,118 alleles (0.0047%); highest among the groups gnomAD compares: East Asian, 0.18%; no homozygotes.

Submission:

Labcorp Genetics (formerly Invitae), Labcorp
Classification: Uncertain significance for D-2-hydroxyglutaric aciduria 2. Last evaluated: 2022-02-05. Review status: criteria provided, single submitter. Criteria: Invitae Variant Classification Sherloc (09022015). Collection method: clinical testing. Allele origin: germline.
Comment: This variant has not been reported in the literature in individuals affected with IDH2-related conditions. In summary, the available evidence is currently insufficient to determine the role of this variant in disease. Therefore, it has been classified as a Variant of Uncertain Significance. Algorithms developed to predict the effect of missense changes on protein structure and function are either unavailable or do not agree on the potential impact of this missense change (SIFT: "Tolerated"; PolyPhen-2: "Probably Damaging"; Align-GVGD: "Class C0"). The frequency data for this variant in the population databases is considered unreliable, as metrics indicate poor data quality at this position in the gnomAD database. This sequence change replaces proline, which is neutral and non-polar, with arginine, which is basic and polar, at codon 23 of the IDH2 protein (p.Pro23Arg).